The following is an entry in ClinVar:

NM_004187.5(KDM5C):c.564G>A (p.Lys188=)

Gene: KDM5C (lysine demethylase 5C; minus strand). Cytogenetic location: Xp11.22.
Variant type: single nucleotide variant.
Coding change: c.564G>A on transcript NM_004187.5 (MANE Select); coding-DNA position 564, G replaced by A.
Protein change: p.Lys188=; no amino-acid change (lysine 188 retained).
Molecular consequence: synonymous variant. On other transcripts: non-coding transcript variant (3).
Genome position (GRCh38, 1-based): chrX:53,217,236, C>T on the plus strand (G>A on the coding strand, the complement: KDM5C is on the minus strand). VCF-style: chrX-53217236-C-T. GRCh37 (hg19) VCF-style: chrX-53246418-C-T.
Other names: p.Lys188=; c.363G>A, p.Lys121= (NM_001146702.2); c.561G>A, p.Lys187= (NM_001282622.3, NM_001353979.2, NM_001353982.2); c.564G>A, p.Lys188= (NM_001353978.3, NM_001353981.2, NM_001353984.2); c.564G>A (NM_004187.4).
Identifiers: ClinVar variation 94882 (VCV000094882.29), dbSNP rs61751437, ClinGen allele CA147878.

ClinVar aggregate classification (germline): Benign/Likely benign. Review status: criteria provided, multiple submitters, no conflicts (2 of 4 stars). 9 submissions from 9 submitters: Benign (8); Likely benign (1). Last evaluated 2026-02-03.

Conditions:
Inborn genetic diseases. Identifiers: MedGen C0950123, MeSH D030342.
Spastic paraplegia. Identifiers: MedGen C0037772, HP:0001258.
Intellectual developmental disorder, X-linked, syndromic, Claes-Jensen type. Also called: INTELLECTUAL DEVELOPMENTAL DISORDER, X-LINKED, SYNDROMIC 16; MENTAL RETARDATION, X-LINKED, SYNDROMIC 16; Syndromic X-linked intellectual disability Claes-Jensen type. Identifiers: Orphanet 85279, MedGen C1845243, MONDO:0010355, OMIM 300534.

Allele frequency attached by ClinVar (database versions not stated): TOPMed 0.00838; 1000 Genomes Project 0.00848; 1000 Genomes Project 30x 0.00978; ESP Exome Variant Server 0.01070; gnomAD 0.01076 and 0.01094; gnomAD exomes 0.01311 and 0.01557; ExAC 0.01408.
gnomAD v4.1: 18,196 of 1,209,118 alleles (1.5%); highest among the groups gnomAD compares: South Asian, 1.9%; 117 homozygotes.

Submissions (9):

Labcorp Genetics (formerly Invitae), Labcorp
Classification: Benign for Spastic paraplegia. Last evaluated: 2026-02-03. Review status: criteria provided, single submitter. Criteria: Invitae Variant Classification Sherloc (09022015). Collection method: clinical testing. Allele origin: germline.

Blueprint Genetics
Classification: Benign. Last evaluated: 2024-11-27. Review status: criteria provided, single submitter. Criteria: ACMG Guidelines, 2015. Collection method: clinical testing. Allele origin: germline.

Mayo Clinic Laboratories, Mayo Clinic
Classification: Benign. Last evaluated: 2024-03-01. Review status: criteria provided, single submitter. Criteria: ACMG Guidelines, 2015. Collection method: clinical testing. Allele origin: germline. Observed: 18 variant alleles.
Comment: BA1, BS2

Fulgent Genetics
Classification: Likely benign for Intellectual developmental disorder, X-linked, syndromic, Claes-Jensen type. Last evaluated: 2021-08-19. Review status: criteria provided, single submitter. Criteria: ACMG Guidelines, 2015. Collection method: clinical testing. Allele origin: unknown.

GeneDx
Classification: Benign. Last evaluated: 2020-12-04. Review status: criteria provided, single submitter. Criteria: GeneDx Variant Classification Process June 2021. Collection method: clinical testing. Allele origin: germline. Affected: yes.
Comment: This variant is associated with the following publications: (PMID: 15586325, 24583395)

Ambry Genetics
Classification: Benign for Inborn genetic diseases. Last evaluated: 2016-05-11. Review status: criteria provided, single submitter. Criteria: Ambry Variant Classification Scheme 2023. Collection method: clinical testing. Allele origin: germline.

Genetic Services Laboratory, University of Chicago
Classification: Benign for AllHighlyPenetrant. Last evaluated: 2013-07-08. Review status: criteria provided, single submitter. Criteria: ACMG Guidelines, 2007. Collection method: clinical testing. Allele origin: germline. Inheritance: X-linked inheritance.

Eurofins Ntd Llc (ga)
Classification: Benign. Last evaluated: 2013-06-03. Review status: criteria provided, single submitter. Criteria: EGL Classification Definitions 2015. Collection method: clinical testing. Allele origin: germline. Observed: 2 variant alleles, 1 heterozygote, 1 hemizygote.

Breakthrough Genomics
Classification: Benign. Review status: criteria provided, single submitter. Criteria: ACMG Guidelines, 2015. Collection method: not provided. Allele origin: germline. Inheritance: X-linked inheritance. Affected: yes.